The following is an entry in ClinVar:

NM_001273.5(CHD4):c.634T>G (p.Phe212Val)

Gene: CHD4 (chromodomain helicase DNA binding protein 4; minus strand). Cytogenetic location: 12p13.31.
Variant type: single nucleotide variant.
Coding change: c.634T>G on transcript NM_001273.5 (MANE Select); coding-DNA position 634, T replaced by G.
Protein change: p.Phe212Val; replaces phenylalanine 212 with valine.
Molecular consequence: missense variant.
Genome position (GRCh38, 1-based): chr12:6,601,454, A>C on the plus strand (T>G on the coding strand, the complement: CHD4 is on the minus strand). VCF-style: chr12-6601454-A-C. GRCh37 (hg19) VCF-style: chr12-6710620-A-C.
Other names: c.613T>G, p.Phe205Val (NM_001297553.2); c.634T>G, p.Phe212Val (NM_001363606.2); short protein forms F205V, F212V.
Identifiers: ClinVar variation 4821156 (VCV004821156.4).

ClinVar aggregate classification (germline): Uncertain significance (1 of 4 stars; one submission).

Submission:

CeGaT Center for Human Genetics Tuebingen
Classification: Uncertain significance. Last evaluated: 2026-03-01. Review status: criteria provided, single submitter. Criteria: CeGaT Center For Human Genetics Tuebingen Variant Classification Criteria Version 2. Collection method: clinical testing. Allele origin: germline. Affected: yes. Observed: 1 variant allele.
Comment: CHD4: PM2, PP3